The following is an entry in ClinVar:

NM_001377299.1(NDUFS2):c.128G>A (p.Trp43Ter)

Gene: NDUFS2 (NADH:ubiquinone oxidoreductase core subunit S2; plus strand). Cytogenetic location: 1q23.3.
Variant type: single nucleotide variant.
Coding change: c.128G>A on transcript NM_001377299.1 (MANE Select); coding-DNA position 128, G replaced by A.
Protein change: p.Trp43Ter; replaces tryptophan 43 with a stop codon.
Molecular consequence: nonsense. On other transcripts: non-coding transcript variant (1).
Genome position (GRCh38, 1-based): chr1:161,203,469, G>A. VCF-style: chr1-161203469-G-A. GRCh37 (hg19) VCF-style: chr1-161173259-G-A.
Other names: c.128G>A, p.Trp43Ter (NM_001166159.2, NM_001377298.1, NM_001377300.1 and 3 more transcripts); short protein forms W43*.
Identifiers: ClinVar variation 1451468 (VCV001451468.6), dbSNP rs2102030658, ClinGen allele CA343376834.

ClinVar aggregate classification (germline): Pathogenic (1 of 4 stars; one submission).

Submission:

Labcorp Genetics (formerly Invitae), Labcorp
Classification: Pathogenic. Last evaluated: 2021-12-02. Review status: criteria provided, single submitter. Criteria: Invitae Variant Classification Sherloc (09022015). Collection method: clinical testing. Allele origin: germline.
Comment: For these reasons, this variant has been classified as Pathogenic. This variant has not been reported in the literature in individuals affected with NDUFS2-related conditions. This variant is not present in population databases (gnomAD no frequency). This sequence change creates a premature translational stop signal (p.Trp43*) in the NDUFS2 gene. It is expected to result in an absent or disrupted protein product. Loss-of-function variants in NDUFS2 are known to be pathogenic (PMID: 20818383, 31411514).

Literature cited by the submitters: PubMed 20818383; PubMed 31411514.